The following is an entry in ClinVar:

ClinVar aggregate classification (germline): Conflicting classifications of pathogenicity. Review status: criteria provided, conflicting classifications (1 of 4 stars). 5 submissions from 5 submitters: Uncertain significance (1); Likely benign (3). 1 of the submissions does not count toward it. Last evaluated 2026-02-01.

Conditions:
Pitt-Hopkins-like syndrome 2 (PTHSL2). Identifiers: Orphanet 221150, Orphanet 600663, MedGen C3280479, MONDO:0013690, OMIM 614325.
NRXN1-related disorder.

Allele frequency attached by ClinVar (database versions not stated): gnomAD 0.00005 and 0.00006; ExAC 0.00007; gnomAD exomes 0.00007 and 0.00009; TOPMed 0.00011.
gnomAD v4.1: 105 of 1,609,352 alleles (0.0065%); highest among the groups gnomAD compares: East Asian, 0.054%; no homozygotes.

Submissions (5):

Labcorp Genetics (formerly Invitae), Labcorp
Classification: Likely benign for Pitt-Hopkins-like syndrome 2. Last evaluated: 2026-02-01. Review status: criteria provided, single submitter. Criteria: Invitae Variant Classification Sherloc (09022015). Collection method: clinical testing. Allele origin: germline.

Blueprint Genetics
Classification: Likely benign. Last evaluated: 2024-11-23. Review status: criteria provided, single submitter. Criteria: ACMG Guidelines, 2015. Collection method: clinical testing. Allele origin: germline.

CeGaT Center for Human Genetics Tuebingen
Classification: Likely benign. Last evaluated: 2022-03-01. Review status: criteria provided, single submitter. Criteria: CeGaT Center For Human Genetics Tuebingen Variant Classification Criteria Version 2. Collection method: clinical testing. Allele origin: germline. Affected: yes. Observed: 1 variant allele.
Comment: NRXN1: BP4, BP7

Genetic Services Laboratory, University of Chicago
Classification: Uncertain significance. Last evaluated: 2015-04-23. Review status: criteria provided, single submitter. Criteria: ACMG Guidelines, 2015. Collection method: clinical testing. Allele origin: germline.

PreventionGenetics, part of Exact Sciences
Classification: Likely benign for NRXN1-related condition. Last evaluated: 2024-07-18. Review status: no assertion criteria provided. Collection method: clinical testing. Allele origin: germline. Not counted in ClinVar's aggregate classification.
Comment: This variant is classified as likely benign based on ACMG/AMP sequence variant interpretation guidelines (Richards et al. 2015 PMID: 25741868, with internal and published modifications).

NM_001330078.2(NRXN1):c.1749C>T (p.Asp583=)

Gene: NRXN1 (neurexin 1; minus strand). Cytogenetic location: 2p16.3.
Variant type: single nucleotide variant.
Coding change: c.1749C>T on transcript NM_001330078.2 (MANE Select); coding-DNA position 1749, C replaced by T.
Protein change: p.Asp583=; no amino-acid change (aspartic acid 583 retained).
Molecular consequence: synonymous variant.
Genome position (GRCh38, 1-based): chr2:50,552,597, G>A on the plus strand (C>T on the coding strand, the complement: NRXN1 is on the minus strand). VCF-style: chr2-50552597-G-A. GRCh37 (hg19) VCF-style: chr2-50779735-G-A.
Other names: c.1869C>T (NM_001135659.2); c.1869C>T, p.Asp623= (NM_001135659.3); c.1725C>T, p.Asp575= (NM_001330077.2, NM_001330082.2, NM_001330095.2); c.1710C>T, p.Asp570= (NM_001330083.2, NM_001330084.2); c.1749C>T, p.Asp583= (NM_001330085.2, NM_001330086.2, NM_004801.6); c.1665C>T, p.Asp555= (NM_001330087.2, NM_001330096.2); c.1695C>T, p.Asp565= (NM_001330088.2); c.1746C>T, p.Asp582= (NM_001330093.2); and 1 more.
Identifiers: ClinVar variation 211688 (VCV000211688.41), dbSNP rs199934259, ClinGen allele CA206821.